The following is an entry in ClinVar:

NM_172351.3(CD46):c.748G>A (p.Ala250Thr)

Gene: CD46 (CD46 molecule; plus strand). Cytogenetic location: 1q32.2.
Variant type: single nucleotide variant.
Coding change: c.748G>A on transcript NM_172351.3 (MANE Select); coding-DNA position 748, G replaced by A.
Protein change: p.Ala250Thr; replaces alanine 250 with threonine.
Molecular consequence: missense variant.
Genome position (GRCh38, 1-based): chr1:207,767,087, G>A. VCF-style: chr1-207767087-G-A. GRCh37 (hg19) VCF-style: chr1-207940432-G-A.
Other names: c.748G>A, p.Ala250Thr (NM_002389.4, NM_153826.4, NM_172350.3 and 8 more transcripts); short protein forms A250T.
Identifiers: ClinVar variation 2003565 (VCV002003565.4), dbSNP rs1484306120, ClinGen allele CA344550923.

ClinVar aggregate classification (germline): Uncertain significance (1 of 4 stars; one submission).

Allele frequency attached by ClinVar (database versions not stated): gnomAD exomes below 0.00001.
gnomAD v4.1: 1 of 1,613,716 alleles (0.000062%); highest among the groups gnomAD compares: Non-Finnish European, 0.000085%; no homozygotes.

Submission:

Labcorp Genetics (formerly Invitae), Labcorp
Classification: Uncertain significance. Last evaluated: 2022-06-14. Review status: criteria provided, single submitter. Criteria: Invitae Variant Classification Sherloc (09022015). Collection method: clinical testing. Allele origin: germline.
Comment: In summary, the available evidence is currently insufficient to determine the role of this variant in disease. Therefore, it has been classified as a Variant of Uncertain Significance. Algorithms developed to predict the effect of missense changes on protein structure and function are either unavailable or do not agree on the potential impact of this missense change (SIFT: "Tolerated"; PolyPhen-2: "Probably Damaging"; Align-GVGD: "Class C0"). This variant has not been reported in the literature in individuals affected with CD46-related conditions. This variant is present in population databases (no rsID available, gnomAD 0.0009%). This sequence change replaces alanine, which is neutral and non-polar, with threonine, which is neutral and polar, at codon 250 of the CD46 protein (p.Ala250Thr).